The following is an entry in ClinVar:

ClinVar aggregate classification (germline): Uncertain significance (1 of 4 stars; one submission).

Conditions:
Hypertrophic cardiomyopathy. Also called: HYPERTROPHIC MYOCARDIOPATHY. Identifiers: Orphanet 217569, MedGen C0007194, MeSH D002312, MONDO:0005045, HP:0001639.

Allele frequency attached by ClinVar (database versions not stated): gnomAD exomes below 0.00001.

Submission:

Labcorp Genetics (formerly Invitae), Labcorp
Classification: Uncertain significance for Hypertrophic cardiomyopathy. Last evaluated: 2019-05-31. Review status: criteria provided, single submitter. Criteria: Invitae Variant Classification Sherloc (09022015). Collection method: clinical testing. Allele origin: germline.
Comment: This sequence change replaces alanine with valine at codon 66 of the MYOM1 protein (p.Ala66Val). The alanine residue is weakly conserved and there is a small physicochemical difference between alanine and valine. This variant is not present in population databases (ExAC no frequency). This variant has not been reported in the literature in individuals with MYOM1-related conditions. Algorithms developed to predict the effect of missense changes on protein structure and function (SIFT, PolyPhen-2, Align-GVGD) all suggest that this variant is likely to be tolerated, but these predictions have not been confirmed by published functional studies and their clinical significance is uncertain. In summary, the available evidence is currently insufficient to determine the role of this variant in disease. Therefore, it has been classified as a Variant of Uncertain Significance.

NM_003803.4(MYOM1):c.197C>T (p.Ala66Val)

Gene: MYOM1 (myomesin 1; minus strand). Cytogenetic location: 18p11.31.
Variant type: single nucleotide variant.
Coding change: c.197C>T on transcript NM_003803.4 (MANE Select); coding-DNA position 197, C replaced by T.
Protein change: p.Ala66Val; replaces alanine 66 with valine.
Molecular consequence: missense variant.
Genome position (GRCh38, 1-based): chr18:3,215,027, G>A on the plus strand (C>T on the coding strand, the complement: MYOM1 is on the minus strand). VCF-style: chr18-3215027-G-A. GRCh37 (hg19) VCF-style: chr18-3215025-G-A.
Other names: c.197C>T, p.Ala66Val (NM_019856.2); short protein forms A66V.
Identifiers: ClinVar variation 933802 (VCV000933802.9), dbSNP rs1188423604, ClinGen allele CA401718093.